The following is an entry in ClinVar:

NM_145290.4(ADGRA3):c.2811C>A (p.Ser937Arg)

Gene: ADGRA3 (adhesion G protein-coupled receptor A3; minus strand). Cytogenetic location: 4p15.2.
Variant type: single nucleotide variant.
Coding change: c.2811C>A on transcript NM_145290.4 (MANE Select); coding-DNA position 2811, C replaced by A.
Protein change: p.Ser937Arg; replaces serine 937 with arginine.
Molecular consequence: missense variant.
Genome position (GRCh38, 1-based): chr4:22,388,860, G>T on the plus strand (C>A on the coding strand, the complement: ADGRA3 is on the minus strand). VCF-style: chr4-22388860-G-T. GRCh37 (hg19) VCF-style: chr4-22390483-G-T.
Other names: c.2811C>A (NM_145290.2); short protein forms S937R.
Identifiers: ClinVar variation 1011293 (VCV001011293.7), dbSNP rs1055148045, ClinGen allele CA93481206.

ClinVar aggregate classification (germline): Uncertain significance. Review status: criteria provided, multiple submitters, no conflicts (2 of 4 stars). 2 submissions from 2 submitters: Uncertain significance (2). Last evaluated 2025-06-18.

Allele frequency attached by ClinVar (database versions not stated): TOPMed below 0.00001; gnomAD exomes 0.00001.
gnomAD v4.1: 3 of 1,613,996 alleles (0.00019%); highest among the groups gnomAD compares: Admixed American, 0.005%; no homozygotes.

Submissions (2):

Ambry Genetics
Classification: Uncertain significance. Last evaluated: 2025-06-18. Review status: criteria provided, single submitter. Criteria: Ambry Variant Classification Scheme 2023. Collection method: clinical testing. Allele origin: germline.

Labcorp Genetics (formerly Invitae), Labcorp
Classification: Uncertain significance. Last evaluated: 2023-12-28. Review status: criteria provided, single submitter. Criteria: Invitae Variant Classification Sherloc (09022015). Collection method: clinical testing. Allele origin: germline.
Comment: This sequence change replaces serine, which is neutral and polar, with arginine, which is basic and polar, at codon 937 of the ADGRA3 protein (p.Ser937Arg). This variant is present in population databases (no rsID available, gnomAD 0.006%). This variant has not been reported in the literature in individuals affected with ADGRA3-related conditions. ClinVar contains an entry for this variant (Variation ID: 1011293). An algorithm developed to predict the effect of missense changes on protein structure and function (PolyPhen-2) suggests that this variant is likely to be disruptive. In summary, the available evidence is currently insufficient to determine the role of this variant in disease. Therefore, it has been classified as a Variant of Uncertain Significance.